The following is an entry in ClinVar:

ClinVar aggregate classification (germline): Uncertain significance (1 of 4 stars; one submission).

Conditions:
Asphyxiating thoracic dystrophy 3. Also called: POLYDACTYLY WITH NEONATAL CHONDRODYSTROPHY, TYPE I; SHORT-RIB THORACIC DYSPLASIA 3 WITH OR WITHOUT POLYDACTYLY; SHORT-RIB THORACIC DYSPLASIA 3/6 WITH POLYDACTYLY, DIGENIC; Saldino-Noonan Syndrome; Short rib polydactyly syndrome 2B. Identifiers: Orphanet 474, Orphanet 93269, Orphanet 93270, Orphanet 93271, MedGen C0036069, MONDO:0013127, OMIM 613091.

Submission:

Myriad Genetics, Inc.
Classification: Uncertain significance for Asphyxiating thoracic dystrophy 3. Last evaluated: 2025-12-08. Review status: criteria provided, single submitter. Criteria: Myriad Autosomal Dominant, Autosomal Recessive and X-Linked Classification Criteria (2023). Collection method: clinical testing. Allele origin: unknown.
Comment: NM_001377.2(DYNC2H1):c.5201G>A(C1734Y) is a missense variant classified as a variant of uncertain significance in the context of DYNC2H1-related disorders. C1734Y has been observed in a case with relevant disease (PMID: 36653407). Relevant functional assessments of this variant are not available in the literature. C1734Y has not been observed in referenced population frequency databases. In summary, there is insufficient evidence to classify NM_001377.2(DYNC2H1):c.5201G>A(C1734Y) as pathogenic or benign. Please note: this variant was assessed in the context of healthy population screening.

Literature cited by the submitters: PubMed 36653407.

NM_001377.3(DYNC2H1):c.5201G>A (p.Cys1734Tyr)

Gene: DYNC2H1 (dynein cytoplasmic 2 heavy chain 1; plus strand). Cytogenetic location: 11q22.3.
Variant type: single nucleotide variant.
Coding change: c.5201G>A on transcript NM_001377.3 (MANE Select); coding-DNA position 5201, G replaced by A.
Protein change: p.Cys1734Tyr; replaces cysteine 1734 with tyrosine.
Molecular consequence: missense variant.
Genome position (GRCh38, 1-based): chr11:103,170,935, G>A. VCF-style: chr11-103170935-G-A. GRCh37 (hg19) VCF-style: chr11-103041664-G-A.
Other names: c.5201G>A, p.Cys1734Tyr (NM_001080463.2); short protein forms C1734Y.
Identifiers: ClinVar variation 5004318 (VCV005004318.1).